The following is an entry in ClinVar:

ClinVar aggregate classification (germline): Uncertain significance. Review status: criteria provided, multiple submitters, no conflicts (2 of 4 stars). 3 submissions from 3 submitters: Uncertain significance (3). Last evaluated 2025-05-30.

Conditions:
Paget disease of bone 6 (PDB6). Identifiers: MedGen C4085250, MONDO:0014792, OMIM 616833.

Allele frequency attached by ClinVar (database versions not stated): gnomAD 0.00001; TOPMed 0.00001; ExAC 0.00002; gnomAD exomes 0.00003.
gnomAD v4.1: 21 of 1,578,756 alleles (0.0013%); highest among the groups gnomAD compares: Non-Finnish European, 0.0018%; no homozygotes.

Submissions (3):

Ambry Genetics
Classification: Uncertain significance. Last evaluated: 2025-05-30. Review status: criteria provided, single submitter. Criteria: Ambry Variant Classification Scheme 2023. Collection method: clinical testing. Allele origin: germline.

Fulgent Genetics
Classification: Uncertain significance for Paget disease of bone 6. Last evaluated: 2024-04-18. Review status: criteria provided, single submitter. Criteria: ACMG Guidelines, 2015. Collection method: clinical testing. Allele origin: germline.

Labcorp Genetics (formerly Invitae), Labcorp
Classification: Uncertain significance. Last evaluated: 2022-08-29. Review status: criteria provided, single submitter. Criteria: Invitae Variant Classification Sherloc (09022015). Collection method: clinical testing. Allele origin: germline.
Comment: In summary, the available evidence is currently insufficient to determine the role of this variant in disease. Therefore, it has been classified as a Variant of Uncertain Significance. Algorithms developed to predict the effect of missense changes on protein structure and function (SIFT, PolyPhen-2, Align-GVGD) all suggest that this variant is likely to be disruptive. This variant has not been reported in the literature in individuals affected with ZNF687-related conditions. This variant is present in population databases (rs768633045, gnomAD 0.004%). This sequence change replaces aspartic acid, which is acidic and polar, with valine, which is neutral and non-polar, at codon 976 of the ZNF687 protein (p.Asp976Val).

NM_020832.3(ZNF687):c.2927A>T (p.Asp976Val)

Gene: ZNF687 (zinc finger protein 687; plus strand). Cytogenetic location: 1q21.3.
Variant type: single nucleotide variant.
Coding change: c.2927A>T on transcript NM_020832.3 (MANE Select); coding-DNA position 2927, A replaced by T.
Protein change: p.Asp976Val; replaces aspartic acid 976 with valine.
Molecular consequence: missense variant.
Genome position (GRCh38, 1-based): chr1:151,289,970, A>T. VCF-style: chr1-151289970-A-T. GRCh37 (hg19) VCF-style: chr1-151262446-A-T.
Other names: c.2927A>T, p.Asp976Val (NM_001304763.2, NM_001304764.2); c.2927A>T (NM_020832.1); short protein forms D976V.
Identifiers: ClinVar variation 1934169 (VCV001934169.7), dbSNP rs768633045, ClinGen allele CA1088677.